The following is an entry in ClinVar:

ClinVar aggregate classification (germline): Uncertain significance (1 of 4 stars; one submission).

Allele frequency attached by ClinVar (database versions not stated): gnomAD exomes below 0.00001; ExAC 0.00001; gnomAD 0.00001; TOPMed 0.00002; ESP Exome Variant Server 0.00008.

Submission:

Labcorp Genetics (formerly Invitae), Labcorp
Classification: Uncertain significance. Last evaluated: 2023-11-27. Review status: criteria provided, single submitter. Criteria: Invitae Variant Classification Sherloc (09022015). Collection method: clinical testing. Allele origin: germline.
Comment: This sequence change replaces arginine, which is basic and polar, with histidine, which is basic and polar, at codon 825 of the CAD protein (p.Arg825His). This variant is present in population databases (rs370850388, gnomAD 0.0009%). This variant has not been reported in the literature in individuals affected with CAD-related conditions. ClinVar contains an entry for this variant (Variation ID: 1523191). Advanced modeling of protein sequence and biophysical properties (such as structural, functional, and spatial information, amino acid conservation, physicochemical variation, residue mobility, and thermodynamic stability) performed at Invitae indicates that this missense variant is not expected to disrupt CAD protein function with a negative predictive value of 80%. In summary, the available evidence is currently insufficient to determine the role of this variant in disease. Therefore, it has been classified as a Variant of Uncertain Significance.

NM_004341.5(CAD):c.2474G>A (p.Arg825His)

Genes: CAD (carbamoyl-phosphate synthetase 2, aspartate transcarbamylase, and dihydroorotase; plus strand), LOC126806171 (BRD4-independent group 4 enhancer GRCh37_chr2:27454350-27455549; plus strand). Cytogenetic location: 2p23.3.
Variant type: single nucleotide variant.
Coding change: c.2474G>A on transcript NM_004341.5 (MANE Select); coding-DNA position 2474, G replaced by A.
Protein change: p.Arg825His; replaces arginine 825 with histidine.
Molecular consequence: missense variant.
Genome position (GRCh38, 1-based): chr2:27,232,053, G>A. VCF-style: chr2-27232053-G-A. GRCh37 (hg19) VCF-style: chr2-27454921-G-A.
Other names: c.2285G>A, p.Arg762His (NM_001306079.2); short protein forms R762H, R825H.
Identifiers: ClinVar variation 1523191 (VCV001523191.4), dbSNP rs370850388, ClinGen allele CA1573029.